The following is an entry in ClinVar:

NM_024552.3(CERS4):c.132C>T (p.Pro44=)

Gene: CERS4 (ceramide synthase 4; plus strand). Cytogenetic location: 19p13.2.
Variant type: single nucleotide variant.
Coding change: c.132C>T on transcript NM_024552.3 (MANE Select); coding-DNA position 132, C replaced by T.
Protein change: p.Pro44=; no amino-acid change (proline 44 retained).
Molecular consequence: synonymous variant.
Genome position (GRCh38, 1-based): chr19:8,251,208, C>T. VCF-style: chr19-8251208-C-T. GRCh37 (hg19) VCF-style: chr19-8316092-C-T.
Identifiers: ClinVar variation 2649193 (VCV002649193.24), dbSNP rs149877914, ClinGen allele CA9153939.

ClinVar aggregate classification (germline): Likely benign (1 of 4 stars; one submission).

Allele frequency attached by ClinVar (database versions not stated): ExAC 0.00014; gnomAD 0.00015; TOPMed 0.00020; gnomAD exomes 0.00022; ESP Exome Variant Server 0.00031.
gnomAD v4.1: 334 of 1,612,074 alleles (0.021%); highest among the groups gnomAD compares: Non-Finnish European, 0.026%; no homozygotes.

Submission:

CeGaT Center for Human Genetics Tuebingen
Classification: Likely benign. Last evaluated: 2023-01-01. Review status: criteria provided, single submitter. Criteria: CeGaT Center For Human Genetics Tuebingen Variant Classification Criteria Version 2. Collection method: clinical testing. Allele origin: germline. Affected: yes. Observed: 1 variant allele.
Comment: CERS4: BP4, BP7